The following is an entry in ClinVar:

NM_022455.5(NSD1):c.2215_2217del (p.Val739del)

Gene: NSD1 (nuclear receptor binding SET domain protein 1; plus strand). Cytogenetic location: 5q35.3.
Variant type: Deletion.
Coding change: c.2215_2217del on transcript NM_022455.5 (MANE Select); coding-DNA positions 2215 to 2217, 3 bases deleted (GTT; older notation c.2215_2217delGTT).
Protein change: p.Val739del; deletes valine 739.
Molecular consequence: inframe deletion. On other transcripts: inframe indel (12).
Genome position (GRCh38, 1-based): chr5:177,210,614-177,210,616, GTT deleted; deleting any 3 consecutive bases within chr5:177,210,612-177,210,616 gives the same sequence; the c. name uses the placement nearest the transcript's 3' end. VCF-style (leftmost placement, unchanged base first): chr5-177210611-CTTG-C. GRCh37 (hg19) VCF-style: chr5-176637612-CTTG-C.
Other names: c.1342_1344delGTT, p.Val448del (NM_001365684.2, NM_001409306.1, NM_001409307.1 and 3 more transcripts); c.2215_2217delGTT, p.Val739del (NM_001409301.1, NM_001409302.1, NM_001409303.1 and 1 more transcripts); c.1795_1797delGTT, p.Val599del (NM_001409304.1); c.1462_1464delGTT, p.Val488del (NM_001409305.1); short protein forms V739del, V470del, V599del, V448del, V488del.
Identifiers: ClinVar variation 841515 (VCV000841515.10), dbSNP rs1763260903, ClinGen allele CA916081469.

ClinVar aggregate classification (germline): Uncertain significance (1 of 4 stars; one submission).

Submission:

Labcorp Genetics (formerly Invitae), Labcorp
Classification: Uncertain significance. Last evaluated: 2024-12-16. Review status: criteria provided, single submitter. Criteria: Invitae Variant Classification Sherloc (09022015). Collection method: clinical testing. Allele origin: germline.
Comment: This variant, c.2215_2217del, results in the deletion of 1 amino acid(s) of the NSD1 protein (p.Val739del), but otherwise preserves the integrity of the reading frame. This variant is not present in population databases (gnomAD no frequency). This variant has not been reported in the literature in individuals affected with NSD1-related conditions. ClinVar contains an entry for this variant (Variation ID: 841515). Experimental studies and prediction algorithms are not available or were not evaluated, and the functional significance of this variant is currently unknown. In summary, the available evidence is currently insufficient to determine the role of this variant in disease. Therefore, it has been classified as a Variant of Uncertain Significance.